The following is an entry in ClinVar:

NC_000011.9:g.(?_71146401)_(71907241_?)dup

Genes: FAM86C1P (family with sequence similarity 86 member C1, pseudogene; plus strand), IL18BP (interleukin 18 binding protein; plus strand), NADSYN1 (NAD synthetase 1; plus strand), KRTAP5-7 (keratin associated protein 5-7; plus strand), DEFB108B (defensin beta 108B; plus strand) and 13 more. Cytogenetic location: 11q13.4.
Variant type: Duplication.
Identifiers: ClinVar variation 830767 (VCV000830767.5).

ClinVar aggregate classification (germline): Uncertain significance (1 of 4 stars; one submission).

Conditions:
Cerebral folate transport deficiency. Also called: Cerebral folate deficiency syndrome; FOLR1-Related Cerebral Folate Transport Deficiency; FOLATE RECEPTOR DEFICIENCY; NEURODEGENERATION DUE TO CEREBRAL FOLATE TRANSPORT DEFICIENCY; Neurodegenerative syndrome due to cerebral folate transport deficiency. Identifiers: Orphanet 217382, MedGen C2751584, MONDO:0013110, OMIM 613068. Disease mechanism: loss of function.

Submission:

Labcorp Genetics (formerly Invitae), Labcorp
Classification: Uncertain significance for Cerebral folate transport deficiency. Last evaluated: 2019-01-19. Review status: criteria provided, single submitter. Criteria: Invitae Variant Classification Sherloc (09022015). Collection method: clinical testing. Allele origin: germline.
Comment: This variant results in a copy number gain of the genomic region encompassing the full coding sequence of the FOLR1 gene. The boundaries of this event are unknown as they extend beyond the assayed region for this gene and therefore may encompass additional genes. As the precise location of this event is unknown, it may be in tandem or it may be located elsewhere in the genome. This variant has not been reported in the literature in individuals with FOLR1-related conditions. In summary, the available evidence is currently insufficient to determine the role of this variant in disease. Therefore, it has been classified as a Variant of Uncertain Significance.